The following is an entry in ClinVar:

ClinVar aggregate classification (germline): Pathogenic (1 of 4 stars; one submission).

Conditions:
Renal carnitine transport defect (CDSP). Also called: Systemic primary carnitine deficiency; Carnitine transporter deficiency; Systemic primary carnitine deficiency disease; CARNITINE DEFICIENCY, SYSTEMIC, DUE TO DEFECT IN RENAL REABSORPTION OF CARNITINE; Primary carnitine deficiency; CARNITINE TRANSPORTER, PLASMA-MEMBRANE, DEFICIENCY OF. Identifiers: Orphanet 158, MedGen C0342788, MONDO:0008919, OMIM 212140.

Submission:

Labcorp Genetics (formerly Invitae), Labcorp
Classification: Pathogenic for Renal carnitine transport defect. Last evaluated: 2021-01-08. Review status: criteria provided, single submitter. Criteria: Invitae Variant Classification Sherloc (09022015). Collection method: clinical testing. Allele origin: germline.
Comment: Loss-of-function variants in SLC22A5 are known to be pathogenic (PMID: 9916797). This variant has not been reported in the literature in individuals with SLC22A5-related conditions. This variant is not present in population databases (ExAC no frequency). This sequence change creates a premature translational stop signal (p.Phe196Cysfs*83) in the SLC22A5 gene. It is expected to result in an absent or disrupted protein product. For these reasons, this variant has been classified as Pathogenic.

Literature cited by the submitters: PubMed 9916797.

NM_003060.4(SLC22A5):c.587_588del (p.Phe196fs)

Gene: SLC22A5 (solute carrier family 22 member 5; plus strand). Cytogenetic location: 5q31.1.
Variant type: Deletion.
Coding change: c.587_588del on transcript NM_003060.4 (MANE Select); coding-DNA positions 587 to 588, 2 bases deleted (TT; older notation c.587_588delTT).
Protein change: p.Phe196fs; shifts the reading frame from phenylalanine 196.
Molecular consequence: frameshift variant.
Genome position (GRCh38, 1-based): chr5:132,384,236-132,384,237, TT deleted; deleting any 2 consecutive bases within chr5:132,384,235-132,384,237 gives the same sequence; the c. name uses the placement nearest the transcript's 3' end. VCF-style (leftmost placement, unchanged base first): chr5-132384234-GTT-G. GRCh37 (hg19) VCF-style: chr5-131719926-GTT-G.
Other names: c.659_660del, p.Phe220fs (NM_001308122.2); short protein forms F196fs, F220fs.
Identifiers: ClinVar variation 1070131 (VCV001070131.7), dbSNP rs2126782321, ClinGen allele CA2499217552.